The following is an entry in ClinVar:

ClinVar aggregate classification (germline): Uncertain significance (1 of 4 stars; one submission).

Conditions:
Dyskeratosis congenita, autosomal dominant 2. Identifiers: MedGen C3151443, MONDO:0013521, OMIM 613989.
Idiopathic Pulmonary Fibrosis. Also called: Idiopathic fibrosing alveolitis, chronic form; idiopathic fibrosing alveolitis. Identifiers: Orphanet 2032, MedGen C1800706, MeSH D054990, MONDO:0800504.

Submission:

Labcorp Genetics (formerly Invitae), Labcorp
Classification: Uncertain significance for Dyskeratosis congenita, autosomal dominant 2; Idiopathic Pulmonary Fibrosis. Last evaluated: 2022-01-01. Review status: criteria provided, single submitter. Criteria: Invitae Variant Classification Sherloc (09022015). Collection method: clinical testing. Allele origin: germline.
Comment: This variant is not present in population databases (gnomAD no frequency). This sequence change replaces glutamine, which is neutral and polar, with histidine, which is basic and polar, at codon 794 of the TERT protein (p.Gln794His). This variant also falls at the last nucleotide of exon 7, which is part of the consensus splice site for this exon. In summary, the available evidence is currently insufficient to determine the role of this variant in disease. Therefore, it has been classified as a Variant of Uncertain Significance. Variants that disrupt the consensus splice site are a relatively common cause of aberrant splicing (PMID: 17576681, 9536098). Algorithms developed to predict the effect of sequence changes on RNA splicing suggest that this variant may disrupt the consensus splice site. Algorithms developed to predict the effect of missense changes on protein structure and function are either unavailable or do not agree on the potential impact of this missense change (SIFT: "Deleterious"; PolyPhen-2: "Probably Damaging"; Align-GVGD: "Class C0"). This variant has not been reported in the literature in individuals affected with TERT-related conditions.

Literature cited by the submitters: PubMed 17576681; PubMed 9536098.

NM_198253.3(TERT):c.2382G>T (p.Gln794His)

Gene: TERT (telomerase reverse transcriptase; minus strand). Cytogenetic location: 5p15.33.
Variant type: single nucleotide variant.
Coding change: c.2382G>T on transcript NM_198253.3 (MANE Select); coding-DNA position 2382, G replaced by T.
Protein change: p.Gln794His; replaces glutamine 794 with histidine.
Molecular consequence: missense variant.
Genome position (GRCh38, 1-based): chr5:1,272,185, C>A on the plus strand (G>T on the coding strand, the complement: TERT is on the minus strand). VCF-style: chr5-1272185-C-A. GRCh37 (hg19) VCF-style: chr5-1272300-C-A.
Other names: c.2382G>T, p.Gln794His (NM_001193376.3, NM_003219.1); short protein forms Q794H.
Identifiers: ClinVar variation 2068298 (VCV002068298.4), dbSNP rs2478209164, ClinGen allele CA359076177.